The following is an entry in ClinVar:

NM_152515.5(CKAP2L):c.922A>G (p.Ser308Gly)

Gene: CKAP2L (cytoskeleton associated protein 2L; minus strand). Cytogenetic location: 2q14.1.
Variant type: single nucleotide variant.
Coding change: c.922A>G on transcript NM_152515.5 (MANE Select); coding-DNA position 922, A replaced by G.
Protein change: p.Ser308Gly; replaces serine 308 with glycine.
Molecular consequence: missense variant.
Genome position (GRCh38, 1-based): chr2:112,756,449, T>C on the plus strand (A>G on the coding strand, the complement: CKAP2L is on the minus strand). VCF-style: chr2-112756449-T-C. GRCh37 (hg19) VCF-style: chr2-113514026-T-C.
Other names: c.427A>G, p.Ser143Gly (NM_001304361.2); short protein forms S308G, S143G.
Identifiers: ClinVar variation 781604 (VCV000781604.36), dbSNP rs34358218, ClinGen allele CA1836765.
Genomic context (GRCh38, chr2:112,756,449, plus strand): 5'-CTCTCTGTTCAGTAACAGGGTATGACCGTATCTTAGTTTCATTTGGTCTTTCATATTGAC[T>C]CCTATTAACCTTTATATCTTTGATGTTCTTGACTACTGGTTTCTTTGATGACTGAACTTT-3'
Protein context (NP_689728.3, residues 298-318): KNIKDIKVNR[Ser308Gly]QYERPNETKI

ClinVar aggregate classification (germline): Benign/Likely benign. Review status: criteria provided, multiple submitters, no conflicts (2 of 4 stars). 5 submissions from 5 submitters: Benign (2); Likely benign (2). 1 of the submissions does not count toward it. Last evaluated 2026-01-12.

Conditions:
CKAP2L-related disorder. Also called: CKAP2L-related condition.

Allele frequency attached by ClinVar (database versions not stated): 1000 Genomes Project 0.00100; 1000 Genomes Project 30x 0.00109; gnomAD 0.00112 and 0.00113; ESP Exome Variant Server 0.00123; ExAC 0.00147; TOPMed 0.00154; gnomAD exomes 0.00157.
gnomAD v4.1: 1,651 of 1,613,646 alleles (0.1%); highest among the groups gnomAD compares: Middle Eastern, 0.84%; 9 homozygotes.

Submissions (5):

Labcorp Genetics (formerly Invitae), Labcorp
Classification: Benign. Last evaluated: 2026-01-12. Review status: criteria provided, single submitter. Criteria: Invitae Variant Classification Sherloc (09022015). Collection method: clinical testing. Allele origin: germline.

Blueprint Genetics
Classification: Likely benign. Last evaluated: 2024-11-26. Review status: criteria provided, single submitter. Criteria: ACMG Guidelines, 2015. Collection method: clinical testing. Allele origin: germline.

CeGaT Center for Human Genetics Tuebingen
Classification: Likely benign. Last evaluated: 2024-05-01. Review status: criteria provided, single submitter. Criteria: CeGaT Center For Human Genetics Tuebingen Variant Classification Criteria Version 2. Collection method: clinical testing. Allele origin: germline. Affected: yes. Observed: 3 variant alleles.
Comment: CKAP2L: BP4, BS2

Breakthrough Genomics
Classification: Benign. Review status: criteria provided, single submitter. Criteria: ACMG Guidelines, 2015. Collection method: not provided. Allele origin: germline. Inheritance: Autosomal recessive inheritance. Affected: yes.

PreventionGenetics, part of Exact Sciences
Classification: Likely benign for CKAP2L-related condition. Last evaluated: 2023-12-04. Review status: no assertion criteria provided. Collection method: clinical testing. Allele origin: germline. Not counted in ClinVar's aggregate classification.
Comment: This variant is classified as likely benign based on ACMG/AMP sequence variant interpretation guidelines (Richards et al. 2015 PMID: 25741868, with internal and published modifications).